The following is an entry in ClinVar:

NM_016604.4(KDM3B):c.3768del (p.Leu1257fs)

Gene: KDM3B (lysine demethylase 3B; plus strand). Cytogenetic location: 5q31.2.
Variant type: Deletion.
Coding change: c.3768del on transcript NM_016604.4 (MANE Select); coding-DNA position 3768, one base deleted (G; older notation c.3768delG).
Protein change: p.Leu1257fs; shifts the reading frame from leucine 1257.
Molecular consequence: frameshift variant.
Genome position (GRCh38, 1-based): chr5:138,420,758, G deleted; the last of 3 consecutive G bases (chr5:138,420,756-138,420,758); deleting any one gives the same sequence. VCF-style (leftmost placement, unchanged base first): chr5-138420755-TG-T. GRCh37 (hg19) VCF-style: chr5-137756444-TG-T.
Other names: c.3768delG (NM_016604.4); short protein forms L1257fs.
Identifiers: ClinVar variation 4539464 (VCV004539464.1).

ClinVar aggregate classification (germline): Likely pathogenic (1 of 4 stars; one submission).

Submission:

Center for Genomic Medicine, Rigshospitalet, Copenhagen University Hospital
Classification: Likely pathogenic. Last evaluated: 2025-12-29. Review status: criteria provided, single submitter. Criteria: ACMG Guidelines, 2015. Collection method: clinical testing. Allele origin: germline.
Comment: Classification criteria: PVS1, PM2_supporting

Literature cited by the submitters: PubMed 30929739; PubMed 30885698.